The following is an entry in ClinVar:

ClinVar aggregate classification (germline): Uncertain significance (1 of 4 stars; one submission).

Conditions:
Hereditary spastic paraplegia 11. Also called: SPASTIC PARAPLEGIA, AUTOSOMAL RECESSIVE, COMPLICATED, WITH THIN CORPUS CALLOSUM; SPASTIC PARAPLEGIA, AUTOSOMAL RECESSIVE, WITH MENTAL IMPAIRMENT AND THIN CORPUS CALLOSUM; Nakamura Osame syndrome; Autosomal recessive hereditary spastic paraplegia, mental impairment, and thin corpus callosum; Spastic paraplegia, mental retardation and thin corpus callosum; Spastic Paraplegia 11. Identifiers: Orphanet 2822, MedGen C1858479, MONDO:0011445, OMIM 604360.

Allele frequency attached by ClinVar (database versions not stated): gnomAD exomes 0.00001.
gnomAD v4.1: 5 of 1,614,028 alleles (0.00031%); highest among the groups gnomAD compares: Non-Finnish European, 0.00042%; no homozygotes.

Submission:

Labcorp Genetics (formerly Invitae), Labcorp
Classification: Uncertain significance for Hereditary spastic paraplegia 11. Last evaluated: 2021-09-24. Review status: criteria provided, single submitter. Criteria: Invitae Variant Classification Sherloc (09022015). Collection method: clinical testing. Allele origin: germline.
Comment: This sequence change replaces histidine with arginine at codon 1031 of the SPG11 protein (p.His1031Arg). The histidine residue is moderately conserved and there is a small physicochemical difference between histidine and arginine. This variant is not present in population databases (ExAC no frequency). This variant has not been reported in the literature in individuals with SPG11-related conditions. Algorithms developed to predict the effect of missense changes on protein structure and function are either unavailable or do not agree on the potential impact of this missense change (SIFT: "Deleterious"; PolyPhen-2: "Possibly Damaging"; Align-GVGD: "Class C0"). In summary, the available evidence is currently insufficient to determine the role of this variant in disease. Therefore, it has been classified as a Variant of Uncertain Significance.

NM_025137.4(SPG11):c.3092A>G (p.His1031Arg)

Gene: SPG11 (SPG11 vesicle trafficking associated, spatacsin; minus strand). Cytogenetic location: 15q21.1.
Variant type: single nucleotide variant.
Coding change: c.3092A>G on transcript NM_025137.4 (MANE Select); coding-DNA position 3092, A replaced by G.
Protein change: p.His1031Arg; replaces histidine 1031 with arginine.
Molecular consequence: missense variant.
Genome position (GRCh38, 1-based): chr15:44,613,483, T>C on the plus strand (A>G on the coding strand, the complement: SPG11 is on the minus strand). VCF-style: chr15-44613483-T-C. GRCh37 (hg19) VCF-style: chr15-44905681-T-C.
Other names: c.3092A>G, p.His1031Arg (NM_001160227.2); short protein forms H1031R.
Identifiers: ClinVar variation 1419694 (VCV001419694.5), dbSNP rs2141011065, ClinGen allele CA392228539.